The following is an entry in ClinVar:

ClinVar aggregate classification (germline): Likely pathogenic (1 of 4 stars; one submission).

Conditions:
Hypogonadotropic hypogonadism 11 with or without anosmia (HH11). Also called: HYPOGONADOTROPIC HYPOGONADISM 11 WITHOUT ANOSMIA; TACR3-Related GnRH Deficiency. Identifiers: Orphanet 478, MedGen C3553844, MONDO:0013913, OMIM 614840.

Submission:

Centro de Investigaciones Endocrinológicas “Dr. César Bergadá” (CEDIE), Unidad de Investigacion Traslacional (UIT), Hospital de Niños Dr. Ricardo Gutiérrez
Classification: Likely pathogenic for Hypogonadotropic hypogonadism 11 with or without anosmia. Last evaluated: 2022-08-04. Review status: criteria provided, single submitter. Criteria: Institutional Variant Interpretation Framework ClinVar CEDIE Version 1. Collection method: clinical testing. Allele origin: germline. Affected: yes. Observed: 1 variant allele.
Comment: The variant NM_023110.3: c.2144A>T located in FGFR1, exon 16 is a missense change , with computational prediction scores CADD=31.0 and REVEL=0.844.The amino acid change involves replacement of a polar, negatively charged residue with a non-polar, hydrophobic residue at this position, NP_075598.2:p.Glu715Val. This novel variant has not been previously reported in population databases (GnomAD v4.1; PM2_Supp) or in the literature in association with hypogonadotropic hypogonadism (OMIM #147950). The available evidence supports the classification of this variant as probably pathogenic (PM1, PM2, PP2, PP3), according to ACMG criteria and the recommendations of the ClinGen Sequence Variant Interpretation Working Group (SVI WG).

NM_023110.3(FGFR1):c.2144A>T (p.Glu715Val)

Gene: FGFR1 (fibroblast growth factor receptor 1; minus strand). Cytogenetic location: 8p11.23.
Variant type: single nucleotide variant.
Coding change: c.2144A>T on transcript NM_023110.3 (MANE Select); coding-DNA position 2144, A replaced by T.
Protein change: p.Glu715Val; replaces glutamic acid 715 with valine.
Molecular consequence: missense variant.
Genome position (GRCh38, 1-based): chr8:38,414,194, T>A on the plus strand (A>T on the coding strand, the complement: FGFR1 is on the minus strand). VCF-style: chr8-38414194-T-A. GRCh37 (hg19) VCF-style: chr8-38271712-T-A.
Other names: NP_075598.2: p.Glu715Val; c.2138A>T, p.Glu713Val (NM_001174063.2, NM_001174065.2, NM_001354367.2 and 1 more transcripts); c.2114A>T, p.Glu705Val (NM_001174064.2); c.1877A>T, p.Glu626Val (NM_001174066.2, NM_023105.3); c.2237A>T, p.Glu746Val (NM_001174067.2); c.1865A>T, p.Glu622Val (NM_001354368.2); c.2132A>T, p.Glu711Val (NM_001354369.2, NM_001410922.1); c.1871A>T, p.Glu624Val (NM_001354370.2, NM_023106.3); short protein forms E622V, E624V, E626V, E705V, E711V, E713V, E715V, E746V.
Identifiers: ClinVar variation 4849278 (VCV004849278.1).